The following is an entry in ClinVar:

ClinVar aggregate classification (germline): Uncertain significance (1 of 4 stars; one submission).

Conditions:
PLXNA4-related disorder. Also called: PLXNA4-related condition.

Allele frequency attached by ClinVar (database versions not stated): TOPMed below 0.00001; gnomAD 0.00001; ExAC 0.00002; 1000 Genomes Project 30x 0.00016; 1000 Genomes Project 0.00020.
gnomAD v4.1: 23 of 1,614,234 alleles (0.0014%); highest among the groups gnomAD compares: Middle Eastern, 0.016%; no homozygotes.

Submission:

PreventionGenetics, part of Exact Sciences
Classification: Uncertain significance for PLXNA4-related condition. Last evaluated: 2024-10-10. Review status: criteria provided, single submitter. Criteria: ACMG Guidelines, 2015. Collection method: clinical testing. Allele origin: germline.
Comment: The PLXNA4 c.692C>T variant is predicted to result in the amino acid substitution p.Ser231Leu. To our knowledge, this variant has not been reported in the literature. This variant is reported in 0.0033% of alleles in individuals of South Asian descent in gnomAD. At this time, the clinical significance of this variant is uncertain due to the absence of conclusive functional and genetic evidence.

NM_020911.2(PLXNA4):c.692C>T (p.Ser231Leu)

Gene: PLXNA4 (plexin A4; minus strand). Cytogenetic location: 7q32.3.
Variant type: single nucleotide variant.
Coding change: c.692C>T on transcript NM_020911.2 (MANE Select); coding-DNA position 692, C replaced by T.
Protein change: p.Ser231Leu; replaces serine 231 with leucine.
Molecular consequence: missense variant.
Genome position (GRCh38, 1-based): chr7:132,508,002, G>A on the plus strand (C>T on the coding strand, the complement: PLXNA4 is on the minus strand). VCF-style: chr7-132508002-G-A. GRCh37 (hg19) VCF-style: chr7-132192761-G-A.
Other names: c.692C>T, p.Ser231Leu (NM_001105543.2, NM_001393897.1, NM_181775.4); short protein forms S231L.
Identifiers: ClinVar variation 2630950 (VCV002630950.2), dbSNP rs199931280, ClinGen allele CA4490457.